The following is an entry in ClinVar:

NM_001077365.2(POMT1):c.1866C>T (p.Ala622=)

Gene: POMT1 (protein O-mannosyltransferase 1; plus strand). Cytogenetic location: 9q34.13.
Variant type: single nucleotide variant.
Coding change: c.1866C>T on transcript NM_001077365.2 (MANE Select); coding-DNA position 1866, C replaced by T.
Protein change: p.Ala622=; no amino-acid change (alanine 622 retained).
Molecular consequence: synonymous variant. On other transcripts: non-coding transcript variant (10).
Genome position (GRCh38, 1-based): chr9:131,522,087, C>T. VCF-style: chr9-131522087-C-T. GRCh37 (hg19) VCF-style: chr9-134397474-C-T.
Other names: c.1704C>T, p.Ala568= (NM_001077366.2, NM_001353194.2); c.1866C>T, p.Ala622= (NM_001136113.2); c.1515C>T, p.Ala505= (NM_001136114.2, NM_001353195.2, NM_001374691.1 and 2 more transcripts); c.1932C>T, p.Ala644= (NM_001353193.2, NM_007171.4); c.1776C>T, p.Ala592= (NM_001353196.2); c.1770C>T, p.Ala590= (NM_001353197.2, NM_001353198.2); c.1581C>T, p.Ala527= (NM_001353199.2); c.1410C>T, p.Ala470= (NM_001353200.2); and 3 more.
Identifiers: ClinVar variation 706170 (VCV000706170.13), dbSNP rs200652115, ClinGen allele CA5293873.

ClinVar aggregate classification (germline): Likely benign. Review status: criteria provided, single submitter (1 of 4 stars). 2 submissions from 2 submitters: Likely benign (1). 1 of the submissions does not count toward it. Last evaluated 2025-10-02.

Conditions:
POMT1-related disorder. Also called: POMT1-related condition; POMT1-related disorders.
Muscular dystrophy-dystroglycanopathy (congenital with impaired intellectual development), type B, 1. Also called: Muscular dystrophy-dystroglycanopathy (congenital with intellectual disability), type B1; MUSCULAR DYSTROPHY, CONGENITAL, POMT1-RELATED. Identifiers: MedGen C5436962, MONDO:0013159, OMIM 613155.
Autosomal recessive limb-girdle muscular dystrophy type 2K. Also called: MUSCULAR DYSTROPHY, LIMB-GIRDLE, TYPE 2K; MUSCULAR DYSTROPHY-DYSTROGLYCANOPATHY (LIMB-GIRDLE), TYPE C, 1. Identifiers: Orphanet 86812, MedGen C1836373, MONDO:0012248, OMIM 609308.
Walker-Warburg congenital muscular dystrophy. Also called: Muscular dystrophy-dystroglycanopathy, type A; Walker-Warburg syndrome. Identifiers: Orphanet 899, MedGen C0265221, MONDO:0000171.

Allele frequency attached by ClinVar (database versions not stated): ExAC 0.00004; gnomAD exomes 0.00007 and 0.00009; gnomAD 0.00006 and 0.00005; TOPMed 0.00009; 1000 Genomes Project 30x 0.00016; 1000 Genomes Project 0.00020.
gnomAD v4.1: 116 of 1,614,126 alleles (0.0072%); highest among the groups gnomAD compares: Non-Finnish European, 0.0089%; no homozygotes.

Submissions (2):

Labcorp Genetics (formerly Invitae), Labcorp
Classification: Likely benign for Muscular dystrophy-dystroglycanopathy (congenital with impaired intellectual development), type B, 1; Walker-Warburg congenital muscular dystrophy; Autosomal recessive limb-girdle muscular dystrophy type 2K. Last evaluated: 2025-10-02. Review status: criteria provided, single submitter. Criteria: Invitae Variant Classification Sherloc (09022015). Collection method: clinical testing. Allele origin: germline.

PreventionGenetics, part of Exact Sciences
Classification: Likely benign for POMT1-related condition. Last evaluated: 2019-07-08. Review status: no assertion criteria provided. Collection method: clinical testing. Allele origin: germline. Not counted in ClinVar's aggregate classification.
Comment: This variant is classified as likely benign based on ACMG/AMP sequence variant interpretation guidelines (Richards et al. 2015 PMID: 25741868, with internal and published modifications).